The following is an entry in ClinVar:

NM_001253697.2(ERBIN):c.468T>A (p.Asn156Lys)

Gene: ERBIN (erbb2 interacting protein; plus strand). Cytogenetic location: 5q12.3.
Variant type: single nucleotide variant.
Coding change: c.468T>A on transcript NM_001253697.2 (MANE Select); coding-DNA position 468, T replaced by A.
Protein change: p.Asn156Lys; replaces asparagine 156 with lysine.
Molecular consequence: missense variant.
Genome position (GRCh38, 1-based): chr5:66,013,630, T>A. VCF-style: chr5-66013630-T-A. GRCh37 (hg19) VCF-style: chr5-65309458-T-A.
Other names: c.468T>A, p.Asn156Lys (NM_001006600.3, NM_001253698.2, NM_001253699.2 and 2 more transcripts); short protein forms N156K.
Identifiers: ClinVar variation 2874598 (VCV002874598.3), dbSNP rs753734504, ClinGen allele CA3285919.
Genomic context (GRCh38, chr5:66,013,630, plus strand): 5'-GCTGTTAAACCTAACCCAGTTGTATCTGAATGATGCTTTTCTTGAGTTCTTGCCAGCAAA[T>A]TTTGGCAGGTAAATTATGGTTTCTTCTAAAACGTTTTATTATTAGCTCTTATAAAGTTTA-3'
Protein context (NP_001240626.1, residues 146-166): NDAFLEFLPA[Asn156Lys]FGRLTKLQIL

ClinVar aggregate classification (germline): Uncertain significance (1 of 4 stars; one submission).

Allele frequency attached by ClinVar (database versions not stated): ExAC 0.00002.
gnomAD v4.1: 4 of 1,610,718 alleles (0.00025%); highest among the groups gnomAD compares: Non-Finnish European, 0.00034%; no homozygotes.

Submission:

Labcorp Genetics (formerly Invitae), Labcorp
Classification: Uncertain significance. Last evaluated: 2023-11-07. Review status: criteria provided, single submitter. Criteria: Invitae Variant Classification Sherloc (09022015). Collection method: clinical testing. Allele origin: germline.
Comment: This sequence change replaces asparagine, which is neutral and polar, with lysine, which is basic and polar, at codon 156 of the ERBIN protein (p.Asn156Lys). This variant is present in population databases (rs753734504, gnomAD 0.003%). This variant has not been reported in the literature in individuals affected with ERBIN-related conditions. An algorithm developed to predict the effect of missense changes on protein structure and function (PolyPhen-2) suggests that this variant is likely to be disruptive. In summary, the available evidence is currently insufficient to determine the role of this variant in disease. Therefore, it has been classified as a Variant of Uncertain Significance.